The following is an entry in ClinVar:

ClinVar aggregate classification (germline): Uncertain significance (0 of 4 stars; one submission).

Conditions:
PCNT-related disorder. Also called: PCNT-related condition.

gnomAD v4.1: 2 of 1,614,148 alleles (0.00012%); highest among the groups gnomAD compares: Admixed American, 0.0033%; no homozygotes.

Submission:

PreventionGenetics, part of Exact Sciences
Classification: Uncertain significance for PCNT-related condition. Last evaluated: 2024-05-31. Review status: no assertion criteria provided. Collection method: clinical testing. Allele origin: germline.
Comment: The PCNT c.9245A>G variant is predicted to result in the amino acid substitution p.His3082Arg. To our knowledge, this variant has not been reported in the literature. This variant is reported in 0.0029% of alleles in individuals of Latino descent in gnomAD. At this time, the clinical significance of this variant is uncertain due to the absence of conclusive functional and genetic evidence.

NM_006031.6(PCNT):c.9245A>G (p.His3082Arg)

Gene: PCNT (pericentrin; plus strand). Cytogenetic location: 21q22.3.
Variant type: single nucleotide variant.
Coding change: c.9245A>G on transcript NM_006031.6 (MANE Select); coding-DNA position 9245, A replaced by G.
Protein change: p.His3082Arg; replaces histidine 3082 with arginine.
Molecular consequence: missense variant.
Genome position (GRCh38, 1-based): chr21:46,438,309, A>G. VCF-style: chr21-46438309-A-G. GRCh37 (hg19) VCF-style: chr21-47858222-A-G.
Other names: c.8654A>G, p.His2885Arg (NM_001315529.2); short protein forms H2885R, H3082R.
Identifiers: ClinVar variation 3346916 (VCV003346916.1).
Genomic context (GRCh38, chr21:46,438,309, plus strand): 5'-TGACCCAGGAGAAGCTGGAGCTGAGCAGAGCCGTGTCTAAGCTTGAGAAGTTGCTGAAGC[A>G]CCATCTGCAGAAGGGCTGCAGCCCAAGCGTAGGTGTCTGTGCTTAACTCTTACCTGCCTC-3'
Protein context (NP_006022.3, residues 3072-3092): AVSKLEKLLK[His3082Arg]HLQKGCSPSR